The following is an entry in ClinVar:

ClinVar aggregate classification (germline): Uncertain significance. Review status: criteria provided, multiple submitters, no conflicts (2 of 4 stars). 2 submissions from 2 submitters: Uncertain significance (2). Last evaluated 2024-03-15.

Conditions:
RASopathy. Also called: rasopathies; Noonan spectrum disorder. Identifiers: Orphanet 536391, MedGen C5555857, MONDO:0021060.

Allele frequency attached by ClinVar (database versions not stated): TOPMed below 0.00001; ExAC 0.00001.
gnomAD v4.1: 3 of 1,614,072 alleles (0.00019%); highest among the groups gnomAD compares: Admixed American, 0.0017%; no homozygotes.

Submissions (2):

Labcorp Genetics (formerly Invitae), Labcorp
Classification: Uncertain significance for RASopathy. Last evaluated: 2024-03-15. Review status: criteria provided, single submitter. Criteria: Invitae Variant Classification Sherloc (09022015). Collection method: clinical testing. Allele origin: germline.
Comment: This sequence change replaces lysine, which is basic and polar, with arginine, which is basic and polar, at codon 135 of the NRAS protein (p.Lys135Arg). This variant is present in population databases (rs781289233, gnomAD 0.003%). This variant has not been reported in the literature in individuals affected with NRAS-related conditions. Advanced modeling of protein sequence and biophysical properties (such as structural, functional, and spatial information, amino acid conservation, physicochemical variation, residue mobility, and thermodynamic stability) performed at Invitae indicates that this missense variant is not expected to disrupt NRAS protein function with a negative predictive value of 95%. In summary, the available evidence is currently insufficient to determine the role of this variant in disease. Therefore, it has been classified as a Variant of Uncertain Significance.

Blueprint Genetics
Classification: Uncertain significance. Last evaluated: 2021-06-30. Review status: criteria provided, single submitter. Criteria: ACMG Guidelines, 2015. Collection method: clinical testing. Allele origin: germline.

NM_002524.5(NRAS):c.404A>G (p.Lys135Arg)

Gene: NRAS (NRAS proto-oncogene, GTPase; minus strand). Cytogenetic location: 1p13.2.
Variant type: single nucleotide variant.
Coding change: c.404A>G on transcript NM_002524.5 (MANE Select); coding-DNA position 404, A replaced by G.
Protein change: p.Lys135Arg; replaces lysine 135 with arginine.
Molecular consequence: missense variant.
Genome position (GRCh38, 1-based): chr1:114,709,615, T>C on the plus strand (A>G on the coding strand, the complement: NRAS is on the minus strand). VCF-style: chr1-114709615-T-C. GRCh37 (hg19) VCF-style: chr1-115252236-T-C.
Other names: short protein forms K135R.
Identifiers: ClinVar variation 2749982 (VCV002749982.4), dbSNP rs781289233, ClinGen allele CA1020714.